The following is an entry in ClinVar:

NM_024747.6(HPS6):c.1570G>A (p.Ala524Thr)

Gene: HPS6 (HPS6 biogenesis of lysosomal organelles complex 2 subunit 3; plus strand). Cytogenetic location: 10q24.32.
Variant type: single nucleotide variant.
Coding change: c.1570G>A on transcript NM_024747.6 (MANE Select); coding-DNA position 1570, G replaced by A.
Protein change: p.Ala524Thr; replaces alanine 524 with threonine.
Molecular consequence: missense variant.
Genome position (GRCh38, 1-based): chr10:102,067,044, G>A. VCF-style: chr10-102067044-G-A. GRCh37 (hg19) VCF-style: chr10-103826801-G-A.
Other names: p.Ala524Thr; short protein forms A524T.
Identifiers: ClinVar variation 4541579 (VCV004541579.1).

ClinVar aggregate classification (germline): Uncertain significance (1 of 4 stars; one submission).

Submission:

Mayo Clinic Laboratories, Mayo Clinic
Classification: Uncertain significance. Last evaluated: 2024-12-04. Review status: criteria provided, single submitter. Criteria: ACMG Guidelines, 2015. Collection method: clinical testing. Allele origin: germline. Observed: 1 variant allele.
Comment: BP4, PM2_supporting